The following is an entry in ClinVar:

NM_024077.5(SECISBP2):c.564T>C (p.Ser188=)

Gene: SECISBP2 (SECIS binding protein 2; plus strand). Cytogenetic location: 9q22.2.
Variant type: single nucleotide variant.
Coding change: c.564T>C on transcript NM_024077.5 (MANE Select); coding-DNA position 564, T replaced by C.
Protein change: p.Ser188=; no amino-acid change (serine 188 retained).
Molecular consequence: synonymous variant. On other transcripts: 5 prime UTR variant (1).
Genome position (GRCh38, 1-based): chr9:89,326,028, T>C. VCF-style: chr9-89326028-T-C. GRCh37 (hg19) VCF-style: chr9-91940943-T-C.
Other names: c.561T>C, p.Ser187= (NM_001282688.2); c.345T>C, p.Ser115= (NM_001282689.2); c.360T>C, p.Ser120= (NM_001282690.1); c.564T>C, p.Ser188= (NM_001354696.2, NM_001354697.2, NM_001354698.2); c.-284T>C (NM_001354702.2).
Identifiers: ClinVar variation 3044063 (VCV003044063.2), dbSNP rs138517966, ClinGen allele CA5117115.

ClinVar aggregate classification (germline): Likely benign (0 of 4 stars; one submission).

Conditions:
SECISBP2-related disorder. Also called: SECISBP2-related condition.

Allele frequency attached by ClinVar (database versions not stated): ESP Exome Variant Server 0.00069; 1000 Genomes Project 30x 0.00078; 1000 Genomes Project 0.00100; gnomAD exomes 0.00006; ExAC 0.00022; gnomAD 0.00049; TOPMed 0.00050.
gnomAD v4.1: 177 of 1,613,052 alleles (0.011%); highest among the groups gnomAD compares: African/African-American, 0.21%; no homozygotes.

Submission:

PreventionGenetics, part of Exact Sciences
Classification: Likely benign for SECISBP2-related condition. Last evaluated: 2019-02-18. Review status: no assertion criteria provided. Collection method: clinical testing. Allele origin: germline.
Comment: This variant is classified as likely benign based on ACMG/AMP sequence variant interpretation guidelines (Richards et al. 2015 PMID: 25741868, with internal and published modifications).